The following is an entry in ClinVar:

NM_020461.4(TUBGCP6):c.4631G>T (p.Gly1544Val)

Gene: TUBGCP6 (tubulin gamma complex component 6; minus strand). Cytogenetic location: 22q13.33.
Variant type: single nucleotide variant.
Coding change: c.4631G>T on transcript NM_020461.4 (MANE Select); coding-DNA position 4631, G replaced by T.
Protein change: p.Gly1544Val; replaces glycine 1544 with valine.
Molecular consequence: missense variant.
Genome position (GRCh38, 1-based): chr22:50,218,893, C>A on the plus strand (G>T on the coding strand, the complement: TUBGCP6 is on the minus strand). VCF-style: chr22-50218893-C-A. GRCh37 (hg19) VCF-style: chr22-50657322-C-A.
Other names: c.4631G>T (NM_020461.3); short protein forms G1544V.
Identifiers: ClinVar variation 1507679 (VCV001507679.5), dbSNP rs750507390, ClinGen allele CA10307396.
Genomic context (GRCh38, chr22:50,218,893, plus strand): 5'-TTGCTCAGCACAGAGTTCAGCACCAGCGGGTTGAGCAGCTCTCCGGGCGTTTGCCCAGCT[C>A]CAAGCTAGGCAGAAAAGGGACCACCGTCCCCAGGAGTCCCAAGCACATGCCTGGCACTCG-3'
Protein context (NP_065194.3, residues 1534-1554): SLSDLLFEKL[Gly1544Val]AGQTPGELLN

ClinVar aggregate classification (germline): Uncertain significance. Review status: criteria provided, multiple submitters, no conflicts (2 of 4 stars). 2 submissions from 2 submitters: Uncertain significance (2). Last evaluated 2025-12-15.

Conditions:
Inborn genetic diseases. Identifiers: MedGen C0950123, MeSH D030342.

Allele frequency attached by ClinVar (database versions not stated): ExAC 0.00001; gnomAD 0.00001; gnomAD exomes 0.00001; TOPMed 0.00002.
gnomAD v4.1: 8 of 1,608,774 alleles (0.0005%); highest among the groups gnomAD compares: Admixed American, 0.0033%; no homozygotes.

Submissions (2):

Ambry Genetics
Classification: Uncertain significance for Inborn genetic diseases. Last evaluated: 2025-12-15. Review status: criteria provided, single submitter. Criteria: Ambry Variant Classification Scheme 2023. Collection method: clinical testing. Allele origin: germline.

Labcorp Genetics (formerly Invitae), Labcorp
Classification: Uncertain significance. Last evaluated: 2022-06-27. Review status: criteria provided, single submitter. Criteria: Invitae Variant Classification Sherloc (09022015). Collection method: clinical testing. Allele origin: germline.
Comment: In summary, the available evidence is currently insufficient to determine the role of this variant in disease. Therefore, it has been classified as a Variant of Uncertain Significance. Algorithms developed to predict the effect of missense changes on protein structure and function are either unavailable or do not agree on the potential impact of this missense change (SIFT: "Tolerated"; PolyPhen-2: "Possibly Damaging"; Align-GVGD: "Class C0"). This variant has not been reported in the literature in individuals affected with TUBGCP6-related conditions. This variant is present in population databases (rs750507390, gnomAD 0.003%). This sequence change replaces glycine, which is neutral and non-polar, with valine, which is neutral and non-polar, at codon 1544 of the TUBGCP6 protein (p.Gly1544Val).